The following is an entry in ClinVar:

NM_001042492.3(NF1):c.3299C>T (p.Ser1100Leu)

Gene: NF1 (neurofibromin 1; plus strand). Cytogenetic location: 17q11.2.
Variant type: single nucleotide variant.
Coding change: c.3299C>T on transcript NM_001042492.3 (MANE Select); coding-DNA position 3299, C replaced by T.
Protein change: p.Ser1100Leu; replaces serine 1100 with leucine.
Molecular consequence: missense variant.
Genome position (GRCh38, 1-based): chr17:31,232,174, C>T. VCF-style: chr17-31232174-C-T. GRCh37 (hg19) VCF-style: chr17-29559192-C-T.
Other names: c.3299C>T, p.Ser1100Leu (NM_000267.4); short protein forms S1100L.
Identifiers: ClinVar variation 947775 (VCV000947775.6), dbSNP rs2067124341, ClinGen allele CA398988911.

ClinVar aggregate classification (germline): Uncertain significance (1 of 4 stars; one submission).

Conditions:
Neurofibromatosis, type 1 (NF1). Also called: Peripheral type neurofibromatosis; Neurofibromatosis, type I; VON RECKLINGHAUSEN DISEASE; NEUROFIBROMATOSIS, TYPE I, SOMATIC. Identifiers: Orphanet 636, MedGen C0027831, MONDO:0018975, OMIM 162200. Disease mechanism: loss of function.

Submission:

Labcorp Genetics (formerly Invitae), Labcorp
Classification: Uncertain significance for Neurofibromatosis, type 1. Last evaluated: 2019-05-21. Review status: criteria provided, single submitter. Criteria: Invitae Variant Classification Sherloc (09022015). Collection method: clinical testing. Allele origin: germline.
Comment: This variant has not been reported in the literature in individuals with NF1-related conditions. Algorithms developed to predict the effect of missense changes on protein structure and function are either unavailable or do not agree on the potential impact of this missense change (SIFT: "Deleterious"; PolyPhen-2: "Benign"; Align-GVGD: "Class C0"). In summary, the available evidence is currently insufficient to determine the role of this variant in disease. Therefore, it has been classified as a Variant of Uncertain Significance. This variant is not present in population databases (ExAC no frequency). This sequence change replaces serine with leucine at codon 1100 of the NF1 protein (p.Ser1100Leu). The serine residue is moderately conserved and there is a large physicochemical difference between serine and leucine.